The following is an entry in ClinVar:

NM_005732.4(RAD50):c.2947_2950del (p.Lys982_Val983insTer)

Gene: RAD50 (RAD50 double strand break repair protein; plus strand). Cytogenetic location: 5q31.1.
Variant type: Deletion.
Coding change: c.2947_2950del on transcript NM_005732.4 (MANE Select); coding-DNA positions 2947 to 2950, 4 bases deleted (GTAA; older notation c.2947_2950delGTAA).
Protein change: p.Lys982_Val983insTer.
Molecular consequence: nonsense.
Genome position (GRCh38, 1-based): chr5:132,609,307-132,609,310, GTAA deleted; deleting any 4 consecutive bases within chr5:132,609,305-132,609,310 gives the same sequence; the c. name uses the placement nearest the transcript's 3' end. VCF-style (leftmost placement, unchanged base first): chr5-132609304-AAAGT-A. GRCh37 (hg19) VCF-style: chr5-131944996-AAAGT-A.
Identifiers: ClinVar variation 1445337 (VCV001445337.6), dbSNP rs1233959733, ClinGen allele CA563057429.

ClinVar aggregate classification (germline): Pathogenic (1 of 4 stars; one submission).

Conditions:
Hereditary cancer-predisposing syndrome. Also called: Tumor predisposition; Hereditary Cancer Syndrome; Hereditary neoplastic syndrome; Neoplastic Syndromes, Hereditary. Identifiers: Orphanet 140162, MedGen C0027672, MeSH D009386, MONDO:0015356.

Submission:

Labcorp Genetics (formerly Invitae), Labcorp
Classification: Pathogenic for Hereditary cancer-predisposing syndrome. Last evaluated: 2022-04-19. Review status: criteria provided, single submitter. Criteria: Invitae Variant Classification Sherloc (09022015). Collection method: clinical testing. Allele origin: germline.
Comment: This sequence change creates a premature translational stop signal (p.Val983*) in the RAD50 gene. It is expected to result in an absent or disrupted protein product. Loss-of-function variants in RAD50 are known to be pathogenic (PMID: 19409520). This variant is present in population databases (no rsID available, gnomAD 0.006%). This variant has not been reported in the literature in individuals affected with RAD50-related conditions. For these reasons, this variant has been classified as Pathogenic.

Literature cited by the submitters: PubMed 19409520.